The following is an entry in ClinVar:

ClinVar aggregate classification (germline): Likely benign (1 of 4 stars; one submission).

Submission:

CeGaT Center for Human Genetics Tuebingen
Classification: Likely benign. Last evaluated: 2025-09-01. Review status: criteria provided, single submitter. Criteria: CeGaT Center For Human Genetics Tuebingen Variant Classification Criteria Version 2. Collection method: clinical testing. Allele origin: germline. Affected: yes. Observed: 1 variant allele.
Comment: ELOA3BP: BP4, BP7

NM_001387690.1(KATNAL2):c.51+22462G>A

Gene: KATNAL2 (katanin catalytic subunit A1 like 2; plus strand). Cytogenetic location: 18q21.1.
Variant type: single nucleotide variant.
Coding change: c.51+22462G>A on transcript NM_001387690.1 (MANE Select); 22462 bases into the intron after coding-DNA position 51, G replaced by A.
Molecular consequence: intron variant.
Genome position (GRCh38, 1-based): chr18:46,969,385, G>A. VCF-style: chr18-46969385-G-A. GRCh37 (hg19) VCF-style: chr18-44549348-G-A.
Other names: c.-2+22462G>A (NM_001353904.1, NM_001353903.1, NM_001353907.1 and 3 more transcripts); c.129+22462G>A (NM_001353899.1, NM_001353900.1, NM_001353902.1); c.51+22462G>A (NM_001353901.1, NM_001367621.1); c.-295+22462G>A (NM_001353905.1); c.-95+22462G>A (NM_031303.3).
Identifiers: ClinVar variation 4280910 (VCV004280910.7).